The following is an entry in ClinVar:

NM_004281.4(BAG3):c.1651C>A (p.Gln551Lys)

Gene: BAG3 (BAG cochaperone 3; plus strand). Cytogenetic location: 10q26.11.
Variant type: single nucleotide variant.
Coding change: c.1651C>A on transcript NM_004281.4 (MANE Select); coding-DNA position 1651, C replaced by A.
Protein change: p.Gln551Lys; replaces glutamine 551 with lysine.
Molecular consequence: missense variant.
Genome position (GRCh38, 1-based): chr10:119,677,205, C>A. VCF-style: chr10-119677205-C-A. GRCh37 (hg19) VCF-style: chr10-121436717-C-A.
Other names: short protein forms Q551K.
Identifiers: ClinVar variation 812168 (VCV000812168.8), dbSNP rs577455773, ClinGen allele CA214225425.
Genomic context (GRCh38, chr10:119,677,205, plus strand): 5'-GCAGCAGACAAGGGCAAGAAAAATGCTGGAAATGCAGAAGATCCCCACACAGAAACCCAG[C>A]AGCCAGAAGCCACAGCAGCAGCGACTTCAAACCCCAGCAGCATGACAGACACCCCTGGTA-3'
Protein context (NP_004272.2, residues 541-561): NAEDPHTETQ[Gln551Lys]PEATAAATSN

ClinVar aggregate classification (germline): Uncertain significance. Review status: criteria provided, multiple submitters, no conflicts (2 of 4 stars). 5 submissions from 5 submitters: Uncertain significance (3). 2 of the submissions do not count toward it. Last evaluated 2026-01-18.

Conditions:
Myofibrillar myopathy 6. Identifiers: Orphanet 199340, MedGen C2751831, MONDO:0013061, OMIM 612954.
Dilated cardiomyopathy 1HH (CMD1HH). Identifiers: Orphanet 154, MedGen C3151293, MONDO:0013479, OMIM 613881.
Cardiovascular phenotype. Identifiers: MedGen CN230736.

Allele frequency attached by ClinVar (database versions not stated): gnomAD 0.00001.
gnomAD v4.1: 10 of 1,614,018 alleles (0.00062%); highest among the groups gnomAD compares: African/African-American, 0.0027%; no homozygotes.

Submissions (5):

Labcorp Genetics (formerly Invitae), Labcorp
Classification: Uncertain significance for Dilated cardiomyopathy 1HH; Myofibrillar myopathy 6. Last evaluated: 2026-01-18. Review status: criteria provided, single submitter. Criteria: Invitae Variant Classification Sherloc (09022015). Collection method: clinical testing. Allele origin: germline.
Comment: This sequence change replaces glutamine, which is neutral and polar, with lysine, which is basic and polar, at codon 551 of the BAG3 protein (p.Gln551Lys). This variant is present in population databases (no rsID available, gnomAD 0.01%). This variant has not been reported in the literature in individuals affected with BAG3-related conditions. ClinVar contains an entry for this variant (Variation ID: 812168). Invitae Evidence Modeling of protein sequence and biophysical properties (such as structural, functional, and spatial information, amino acid conservation, physicochemical variation, residue mobility, and thermodynamic stability) indicates that this missense variant is not expected to disrupt BAG3 protein function with a negative predictive value of 80%. In summary, the available evidence is currently insufficient to determine the role of this variant in disease. Therefore, it has been classified as a Variant of Uncertain Significance.

Ambry Genetics
Classification: Uncertain significance for Cardiovascular phenotype. Last evaluated: 2019-09-18. Review status: criteria provided, single submitter. Criteria: Ambry Variant Classification Scheme 2023. Collection method: clinical testing. Allele origin: germline.
Comment: The p.Q551K variant (also known as c.1651C>A), located in coding exon 4 of the BAG3 gene, results from a C to A substitution at nucleotide position 1651. The glutamine at codon 551 is replaced by lysine, an amino acid with similar properties. This amino acid position is not well conserved in available vertebrate species. In addition, this alteration is predicted to be tolerated by in silico analysis. Since supporting evidence is limited at this time, the clinical significance of this alteration remains unclear.

MVZ Martinsried, Medicover Genetics
Classification: Uncertain significance for Dilated cardiomyopathy 1HH. Last evaluated: 2019-09-12. Review status: criteria provided, single submitter. Criteria: ACMG Guidelines, 2015. Collection method: clinical testing. Allele origin: unknown. Affected: yes.

Clinical Genetics DNA and cytogenetics Diagnostics Lab, Erasmus MC, Erasmus Medical Center
Classification: Likely benign. Review status: no assertion criteria provided. Collection method: clinical testing. Allele origin: germline. Affected: yes. Study: VKGL Data-share Consensus. Not counted in ClinVar's aggregate classification.

Joint Genome Diagnostic Labs from Nijmegen and Maastricht, Radboudumc and MUMC+
Classification: Likely benign. Review status: no assertion criteria provided. Collection method: clinical testing. Allele origin: germline. Affected: yes. Study: VKGL Data-share Consensus. Not counted in ClinVar's aggregate classification.